The following is an entry in ClinVar:

NC_012920.1(MT-ND1):m.4025C>T

Gene: MT-ND1 (mitochondrially encoded NADH dehydrogenase 1; plus strand).
Variant type: single nucleotide variant.
Genome position: chrM-4025-C-T.
Identifiers: ClinVar variation 65520 (VCV000065520.5), dbSNP rs397515509, ClinGen allele CA344829.

ClinVar aggregate classification (germline): Benign. Review status: criteria provided, multiple submitters, no conflicts (2 of 4 stars). 3 submissions from 3 submitters: Benign (2). 1 of the submissions does not count toward it. Last evaluated 2019-10-17.

Conditions:
Leber optic atrophy (LHON). Also called: Leber's disease; Leber's optic atrophy; Leber hereditary optic neuropathy; Optic Atrophy, Hereditary, Leber. Identifiers: Orphanet 104, MedGen C0917796, MONDO:0010788, OMIM 535000, HP:0001112.
Leigh syndrome (NULS). Also called: LEIGH SYNDROME, NUCLEAR; Leigh's syndrome; Subacute necrotizing encephalopathy; Necrotizing encephalopathy infantile subacute of Leigh; Leigh Disease; Leigh Syndrome (mtDNA deletion). Identifiers: Orphanet 506, MedGen C2931891, MONDO:0009723, OMIM 256000.

Submissions (3):

Wong Mito Lab, Molecular and Human Genetics, Baylor College of Medicine
Classification: Benign for Leigh syndrome. Last evaluated: 2019-10-17. Review status: criteria provided, single submitter. Criteria: Modified ACMG Guidelines (Unpublished). Collection method: clinical testing. Allele origin: germline.
Comment: The NC_012920.1:m.4025C>T (YP_003024026.1:p.Thr240Met) variant in MTND1 gene is interpretated to be a Benign variant based on the modified ACMG guidelines (unpublished). This variant meets the following evidence codes: BA1

Breakthrough Genomics
Classification: Benign. Review status: criteria provided, single submitter. Criteria: ACMG Guidelines, 2015. Collection method: not provided. Allele origin: germline. Inheritance: Unknown mechanism. Affected: yes.

GeneReviews
No classification provided. Condition: Leber optic atrophy. Review status: no classification provided. Collection method: literature only. Allele origin: maternal. Not counted in ClinVar's aggregate classification.

Literature cited by the submitters: PubMed 30143805 (cited by GeneReviews); PubMed 20301353 (cited by GeneReviews).